The following is an entry in ClinVar:

NM_016507.4(CDK12):c.3856C>T (p.Leu1286Phe)

Gene: CDK12 (cyclin dependent kinase 12; plus strand). Cytogenetic location: 17q12.
Variant type: single nucleotide variant.
Coding change: c.3856C>T on transcript NM_016507.4 (MANE Select); coding-DNA position 3856, C replaced by T.
Protein change: p.Leu1286Phe; replaces leucine 1286 with phenylalanine.
Molecular consequence: missense variant.
Genome position (GRCh38, 1-based): chr17:39,530,699, C>T. VCF-style: chr17-39530699-C-T. GRCh37 (hg19) VCF-style: chr17-37686952-C-T.
Other names: c.3829C>T, p.Leu1277Phe (NM_015083.4); short protein forms L1286F, L1277F.
Identifiers: ClinVar variation 3830431 (VCV003830431.1).

ClinVar aggregate classification (germline): Uncertain significance (1 of 4 stars; one submission).

Submission:

Ambry Genetics
Classification: Uncertain significance. Last evaluated: 2024-12-31. Review status: criteria provided, single submitter. Criteria: Ambry Variant Classification Scheme 2023. Collection method: clinical testing. Allele origin: germline.
Comment: The p.L1286F variant (also known as c.3856C>T), located in coding exon 14 of the CDK12 gene, results from a C to T substitution at nucleotide position 3856. The leucine at codon 1286 is replaced by phenylalanine, an amino acid with highly similar properties. This amino acid position is conserved. In addition, this alteration is predicted to be tolerated by in silico analysis. Based on the available evidence, the clinical significance of this variant remains unclear.